The following is an entry in ClinVar:

NM_001267550.2(TTN):c.63180C>T (p.Asp21060=)

Genes: TTN (titin; minus strand), TTN-AS1 (TTN antisense RNA 1; plus strand). Cytogenetic location: 2q31.2.
Variant type: single nucleotide variant.
Coding change: c.63180C>T on transcript NM_001267550.2 (MANE Select); coding-DNA position 63180, C replaced by T.
Protein change: p.Asp21060=; no amino-acid change (aspartic acid 21060 retained).
Molecular consequence: synonymous variant.
Genome position (GRCh38, 1-based): chr2:178,588,545, G>A on the plus strand (C>T on the coding strand, the complement: TTN is on the minus strand). VCF-style: chr2-178588545-G-A. GRCh37 (hg19) VCF-style: chr2-179453272-G-A.
Other names: c.58257C>T, p.Asp19419= (NM_001256850.1); c.35985C>T, p.Asp11995= (NM_003319.4); c.55476C>T, p.Asp18492= (NM_133378.4); c.36360C>T, p.Asp12120= (NM_133432.3); c.36561C>T, p.Asp12187= (NM_133437.4).
Identifiers: ClinVar variation 381497 (VCV000381497.1), dbSNP rs778030754, ClinGen allele CA16604142.

ClinVar aggregate classification (germline): Likely benign (1 of 4 stars; one submission).

Allele frequency attached by ClinVar (database versions not stated): gnomAD exomes below 0.00001; TOPMed below 0.00001; gnomAD 0.00001.
gnomAD v4.1: 2 of 1,525,316 alleles (0.00013%); highest among the groups gnomAD compares: Non-Finnish European, 0.00018%; no homozygotes.

Submission:

GeneDx
Classification: Likely benign. Last evaluated: 2015-11-05. Review status: criteria provided, single submitter. Criteria: GeneDx Variant Classification (06012015). Collection method: clinical testing. Allele origin: germline. Affected: yes.
Comment: This variant is considered likely benign or benign based on one or more of the following criteria: it is a conservative change, it occurs at a poorly conserved position in the protein, it is predicted to be benign by multiple in silico algorithms, and/or has population frequency not consistent with disease.